The following is an entry in ClinVar:

NM_052867.4(NALCN):c.2068G>A (p.Asp690Asn)

Gene: NALCN (sodium leak channel, non-selective; minus strand). Cytogenetic location: 13q33.1.
Variant type: single nucleotide variant.
Coding change: c.2068G>A on transcript NM_052867.4 (MANE Select); coding-DNA position 2068, G replaced by A.
Protein change: p.Asp690Asn; replaces aspartic acid 690 with asparagine.
Molecular consequence: missense variant.
Genome position (GRCh38, 1-based): chr13:101,143,130, C>T on the plus strand (G>A on the coding strand, the complement: NALCN is on the minus strand). VCF-style: chr13-101143130-C-T. GRCh37 (hg19) VCF-style: chr13-101795481-C-T.
Other names: c.2068G>A, p.Asp690Asn (NM_001350748.2, NM_001350749.2); c.1981G>A, p.Asp661Asn (NM_001350750.2, NM_001350751.2); short protein forms D661N, D690N.
Identifiers: ClinVar variation 2956372 (VCV002956372.3), dbSNP rs374463932, ClinGen allele CA7035986.

ClinVar aggregate classification (germline): Uncertain significance (1 of 4 stars; one submission).

Allele frequency attached by ClinVar (database versions not stated): ExAC 0.00001; gnomAD 0.00001; gnomAD exomes 0.00001; TOPMed 0.00002; ESP Exome Variant Server 0.00015.
gnomAD v4.1: 15 of 1,613,916 alleles (0.00093%); highest among the groups gnomAD compares: African/African-American, 0.0027%; no homozygotes.

Submission:

Labcorp Genetics (formerly Invitae), Labcorp
Classification: Uncertain significance. Last evaluated: 2024-10-30. Review status: criteria provided, single submitter. Criteria: Invitae Variant Classification Sherloc (09022015). Collection method: clinical testing. Allele origin: germline.
Comment: This sequence change replaces aspartic acid, which is acidic and polar, with asparagine, which is neutral and polar, at codon 690 of the NALCN protein (p.Asp690Asn). This variant is present in population databases (rs374463932, gnomAD 0.003%). This variant has not been reported in the literature in individuals affected with NALCN-related conditions. ClinVar contains an entry for this variant (Variation ID: 2956372). Invitae Evidence Modeling of protein sequence and biophysical properties (such as structural, functional, and spatial information, amino acid conservation, physicochemical variation, residue mobility, and thermodynamic stability) indicates that this missense variant is not expected to disrupt NALCN protein function with a negative predictive value of 80%. In summary, the available evidence is currently insufficient to determine the role of this variant in disease. Therefore, it has been classified as a Variant of Uncertain Significance.